The following is an entry in ClinVar:

NM_032119.4(ADGRV1):c.5576A>G (p.His1859Arg)

Gene: ADGRV1 (adhesion G protein-coupled receptor V1; plus strand). Cytogenetic location: 5q14.3.
Variant type: single nucleotide variant.
Coding change: c.5576A>G on transcript NM_032119.4 (MANE Select); coding-DNA position 5576, A replaced by G.
Protein change: p.His1859Arg; replaces histidine 1859 with arginine.
Molecular consequence: missense variant. On other transcripts: non-coding transcript variant (1).
Genome position (GRCh38, 1-based): chr5:90,681,366, A>G. VCF-style: chr5-90681366-A-G. GRCh37 (hg19) VCF-style: chr5-89977183-A-G.
Other names: short protein forms H1859R.
Identifiers: ClinVar variation 46338 (VCV000046338.17), dbSNP rs200974394, ClinGen allele CA138147.

ClinVar aggregate classification (germline): Conflicting classifications of pathogenicity. Review status: criteria provided, conflicting classifications (1 of 4 stars). 5 submissions from 5 submitters: Uncertain significance (2); Likely benign (3). Last evaluated 2026-01-11.

Conditions:
ADGRV1-related disorder. Also called: ADGRV1-related disorders; ADGRV1-related condition.
Febrile seizures, familial, 4 (FEB4). Also called: CONVULSIONS, FAMILIAL FEBRILE, 4. Identifiers: MedGen C1858493, MONDO:0011443, OMIM 604352.
Usher syndrome type 2C. Also called: Usher syndrome, type 2B; USHER SYNDROME, TYPE IIC. Identifiers: Orphanet 231178, Orphanet 886, MedGen C2931213, MONDO:0011558, OMIM 605472.

Allele frequency attached by ClinVar (database versions not stated): gnomAD exomes 0.00006 and 0.00018; gnomAD 0.00007 and 0.00004; 1000 Genomes Project 30x 0.00062; ESP Exome Variant Server 0.00008; TOPMed 0.00012; ExAC 0.00021; 1000 Genomes Project 0.00060.
gnomAD v4.1: 117 of 1,613,844 alleles (0.0072%); highest among the groups gnomAD compares: East Asian, 0.21%; no homozygotes.

Submissions (5):

Labcorp Genetics (formerly Invitae), Labcorp
Classification: Likely benign. Last evaluated: 2026-01-11. Review status: criteria provided, single submitter. Criteria: Invitae Variant Classification Sherloc (09022015). Collection method: clinical testing. Allele origin: germline.

PreventionGenetics, part of Exact Sciences
Classification: Likely benign for ADGRV1-related condition. Last evaluated: 2025-03-19. Review status: criteria provided, single submitter. Criteria: ACMG Guidelines, 2015. Collection method: clinical testing. Allele origin: germline.
Comment: This variant is classified as likely benign based on ACMG/AMP sequence variant interpretation guidelines (Richards et al. 2015 PMID: 25741868, with internal and published modifications).

Blueprint Genetics
Classification: Uncertain significance. Last evaluated: 2024-10-28. Review status: criteria provided, single submitter. Criteria: ACMG Guidelines, 2015. Collection method: clinical testing. Allele origin: germline.

Laboratory for Molecular Medicine, Mass General Brigham Personalized Medicine
Classification: Likely benign. Last evaluated: 2024-01-10. Review status: criteria provided, single submitter. Criteria: ACMG Guidelines, 2015. Collection method: clinical testing. Allele origin: germline.
Comment: The p.His1859Arg variant in ADGRV1 is classified as likely benign because it has been identified in 0.2% (92/44858) of East Asian chromosomes by gnomAD (v.4.0.0). In addition, computational prediction tools predict that this variant does not impact the protein. ACMG/AMP Criteria applied: BS1_Supporting, BP4.

Fulgent Genetics
Classification: Uncertain significance for Febrile seizures, familial, 4; Usher syndrome type 2C. Last evaluated: 2018-10-31. Review status: criteria provided, single submitter. Criteria: ACMG Guidelines, 2015. Collection method: clinical testing. Allele origin: unknown.